The following is an entry in ClinVar:

ClinVar aggregate classification (germline): Uncertain significance. Review status: criteria provided, multiple submitters, no conflicts (2 of 4 stars). 2 submissions from 2 submitters: Uncertain significance (2). Last evaluated 2024-05-14.

Conditions:
Cardiomyopathy (CMYO). Also called: Cardiomyopathies. Identifiers: Orphanet 167848, MedGen C0878544, MONDO:0004994, HP:0001638. Inheritance: Various modes of inheritance.
Hypertrophic cardiomyopathy. Also called: HYPERTROPHIC MYOCARDIOPATHY. Identifiers: Orphanet 217569, MedGen C0007194, MeSH D002312, MONDO:0005045, HP:0001639.

Allele frequency attached by ClinVar (database versions not stated): ESP Exome Variant Server 0.00008.
gnomAD v4.1: 9 of 1,612,118 alleles (0.00056%); highest among the groups gnomAD compares: South Asian, 0.0022%; no homozygotes.

Submissions (2):

All of Us Research Program, National Institutes of Health
Classification: Uncertain significance for Hypertrophic cardiomyopathy. Last evaluated: 2024-05-14. Review status: criteria provided, single submitter. Criteria: ACMG Guidelines, 2015. Collection method: clinical testing. Allele origin: germline. Inheritance: Autosomal dominant inheritance. Observed: 2 variant alleles, 2 heterozygotes.
Comment: This variant changes 1 nucleotide in the 5' untranslated region of the TPM1 gene. To our knowledge, functional studies have not been reported for this variant. This variant has not been reported in individuals affected with TPM1-related disorders in the literature. This variant has been identified in 2/246864 chromosomes in the general population by the Genome Aggregation Database (gnomAD). The available evidence is insufficient to determine the role of this variant in disease conclusively. Therefore, this variant is classified as a Variant of Uncertain Significance.

This study involves interpretation of variants in research participants for the purpose of population health screening. Participant phenotype was not available at the time of variant classification. Additional details can be found in publication PMID: 35346344, PMCID: PMC8962531

Color Diagnostics, LLC DBA Color Health
Classification: Uncertain significance for Cardiomyopathy. Last evaluated: 2024-01-31. Review status: criteria provided, single submitter. Criteria: ACMG Guidelines, 2015. Collection method: clinical testing. Allele origin: germline.
Comment: This variant changes 1 nucleotide in the 5' untranslated region of the TPM1 gene. To our knowledge, functional studies have not been reported for this variant. This variant has not been reported in individuals affected with TPM1-related disorders in the literature. This variant has been identified in 2/246864 chromosomes in the general population by the Genome Aggregation Database (gnomAD). The available evidence is insufficient to determine the role of this variant in disease conclusively. Therefore, this variant is classified as a Variant of Uncertain Significance.

NM_001018005.2(TPM1):c.-7C>T

Gene: TPM1 (tropomyosin 1; plus strand). Cytogenetic location: 15q22.2.
Variant type: single nucleotide variant.
Coding change: c.-7C>T on transcript NM_001018005.2 (MANE Select); 7 bases upstream of the start codon, C replaced by T.
Molecular consequence: 5 prime UTR variant. On other transcripts: non-coding transcript variant (11).
Genome position (GRCh38, 1-based): chr15:63,042,823, C>T. VCF-style: chr15-63042823-C-T. GRCh37 (hg19) VCF-style: chr15-63335022-C-T.
Other names: c.-7C>T (NM_000366.6, NM_001018004.2, NM_001018006.2 and 24 more transcripts).
Identifiers: ClinVar variation 2774659 (VCV002774659.3), dbSNP rs370871307, ClinGen allele CA034270.